The following is an entry in ClinVar:

NM_001378969.1(KCND3):c.1937C>A (p.Ala646Asp)

Gene: KCND3 (potassium voltage-gated channel subfamily D member 3; minus strand). Cytogenetic location: 1p13.2.
Variant type: single nucleotide variant.
Coding change: c.1937C>A on transcript NM_001378969.1 (MANE Select); coding-DNA position 1937, C replaced by A.
Protein change: p.Ala646Asp; replaces alanine 646 with aspartic acid.
Molecular consequence: missense variant.
Genome position (GRCh38, 1-based): chr1:111,776,108, G>T on the plus strand (C>A on the coding strand, the complement: KCND3 is on the minus strand). VCF-style: chr1-111776108-G-T. GRCh37 (hg19) VCF-style: chr1-112318730-G-T.
Other names: c.1880C>A, p.Ala627Asp (NM_001378970.1, NM_172198.3); c.1937C>A, p.Ala646Asp (NM_004980.5); short protein forms A627D, A646D.
Identifiers: ClinVar variation 2504256 (VCV002504256.1), dbSNP rs910058506, ClinGen allele CA28895880.

ClinVar aggregate classification (germline): Uncertain significance (1 of 4 stars; one submission).

Allele frequency attached by ClinVar (database versions not stated): TOPMed below 0.00001.

Submission:

GeneDx
Classification: Uncertain significance. Last evaluated: 2022-12-05. Review status: criteria provided, single submitter. Criteria: GeneDx Variant Classification Process June 2021. Collection method: clinical testing. Allele origin: germline. Affected: yes.
Comment: Not observed at significant frequency in large population cohorts (gnomAD); In silico analysis supports that this missense variant does not alter protein structure/function; Has not been previously published as pathogenic or benign to our knowledge